The following is an entry in ClinVar:

ClinVar aggregate classification (germline): Uncertain significance (1 of 4 stars; one submission).

Submission:

Labcorp Genetics (formerly Invitae), Labcorp
Classification: Uncertain significance. Last evaluated: 2024-04-10. Review status: criteria provided, single submitter. Criteria: Invitae Variant Classification Sherloc (09022015). Collection method: clinical testing. Allele origin: germline.
Comment: This variant, c.3206_3232del, results in the deletion of 9 amino acid(s) of the MYH7B protein (p.Leu1069_Glu1077del), but otherwise preserves the integrity of the reading frame. This variant is not present in population databases (gnomAD no frequency). This variant has not been reported in the literature in individuals affected with MYH7B-related conditions. Experimental studies and prediction algorithms are not available or were not evaluated, and the functional significance of this variant is currently unknown. In summary, the available evidence is currently insufficient to determine the role of this variant in disease. Therefore, it has been classified as a Variant of Uncertain Significance.

NM_020884.7(MYH7B):c.3080_3106del (p.Leu1027_Glu1035del)

Gene: MYH7B (myosin heavy chain 7B; plus strand). Cytogenetic location: 20q11.22.
Variant type: Deletion.
Coding change: c.3080_3106del on transcript NM_020884.7 (MANE Select); coding-DNA positions 3080 to 3106, 27 bases deleted (TGACCAAGGCCAAGCTCCGGCTGGAGC).
Protein change: p.Leu1027_Glu1035del.
Genome position (GRCh38, 1-based): chr20:34,996,482-34,996,508, TGACCAAGGCCAAGCTCCGGCTGGAGC deleted; deleting any 27 consecutive bases within chr20:34,996,480-34,996,508 gives the same sequence; the c. name uses the placement nearest the transcript's 3' end. VCF-style (leftmost placement, unchanged base first): chr20-34996479-CGCTGACCAAGGCCAAGCTCCGGCTGGA-C. GRCh37 (hg19) VCF-style: chr20-33584282-CGCTGACCAAGGCCAAGCTCCGGCTGGA-C.
Identifiers: ClinVar variation 3697935 (VCV003697935.1).